The following is an entry in ClinVar:

NM_002968.3(SALL1):c.1778G>A (p.Ser593Asn)

Gene: SALL1 (spalt like transcription factor 1; minus strand). Cytogenetic location: 16q12.1.
Variant type: single nucleotide variant.
Coding change: c.1778G>A on transcript NM_002968.3 (MANE Select); coding-DNA position 1778, G replaced by A.
Protein change: p.Ser593Asn; replaces serine 593 with asparagine.
Molecular consequence: missense variant.
Genome position (GRCh38, 1-based): chr16:51,140,444, C>T on the plus strand (G>A on the coding strand, the complement: SALL1 is on the minus strand). VCF-style: chr16-51140444-C-T. GRCh37 (hg19) VCF-style: chr16-51174355-C-T.
Other names: c.1487G>A, p.Ser496Asn (NM_001127892.2); short protein forms S496N, S593N.
Identifiers: ClinVar variation 1698895 (VCV001698895.2), dbSNP rs748432190, ClinGen allele CA8053230.

ClinVar aggregate classification (germline): Uncertain significance (1 of 4 stars; one submission).

Conditions:
Townes-Brocks syndrome 1 (TBS1). Also called: DEAFNESS, SENSORINEURAL, WITH IMPERFORATE ANUS AND THUMB ANOMALIES; REAR SYNDROME; RENAL-EAR-ANAL-RADIAL SYNDROME; SALL1-Related Townes-Brocks Syndrome. Identifiers: Orphanet 857, MedGen C4551481, MONDO:0054581, OMIM 107480.

Allele frequency attached by ClinVar (database versions not stated): TOPMed below 0.00001; gnomAD exomes 0.00001; ExAC 0.00002.

Submission:

Genetics and Molecular Pathology, SA Pathology
Classification: Uncertain significance for Townes-Brocks syndrome 1. Last evaluated: 2022-03-25. Review status: criteria provided, single submitter. Criteria: ACMG Guidelines, 2015. Collection method: clinical testing. Allele origin: germline. Inheritance: Autosomal dominant inheritance. Affected: yes.
Comment: This variant is a single nucleotide change in exon 2/3 of the SALL1 gene, which is predicted to change the amino acid serine at position 593 in the protein to asparagine. The variant has been reported in dbSNP (rs748432190) but is rare in population databases (gnomAD 3/249372, 0 homozygote) (PM2). The variant has not been reported in the ClinVar or HGMD databases. Computational predictions are conflicting regarding deleterious effect on the gene or gene product.